The following is an entry in ClinVar:

ClinVar aggregate classification (germline): Likely benign. Review status: criteria provided, multiple submitters, no conflicts (2 of 4 stars). 2 submissions from 2 submitters: Likely benign (2). Last evaluated 2022-08-01.

Allele frequency attached by ClinVar (database versions not stated): gnomAD exomes below 0.00001 and 0.00001; TOPMed below 0.00001; gnomAD 0.00001; ExAC 0.00002.
gnomAD v4.1: 8 of 1,614,032 alleles (0.0005%); highest among the groups gnomAD compares: Admixed American, 0.0017%; no homozygotes.

Submissions (2):

CeGaT Center for Human Genetics Tuebingen
Classification: Likely benign. Last evaluated: 2022-08-01. Review status: criteria provided, single submitter. Criteria: CeGaT Center For Human Genetics Tuebingen Variant Classification Criteria Version 2. Collection method: clinical testing. Allele origin: germline. Affected: yes. Observed: 1 variant allele.
Comment: COL1A2: BP4

GeneDx
Classification: Likely benign. Last evaluated: 2021-04-28. Review status: criteria provided, single submitter. Criteria: GeneDx Variant Classification Process June 2021. Collection method: clinical testing. Allele origin: germline. Affected: yes.

NM_000089.4(COL1A2):c.927G>A (p.Lys309=)

Gene: COL1A2 (collagen type I alpha 2 chain; plus strand). Cytogenetic location: 7q21.3.
Variant type: single nucleotide variant.
Coding change: c.927G>A on transcript NM_000089.4 (MANE Select); coding-DNA position 927, G replaced by A.
Protein change: p.Lys309=; no amino-acid change (lysine 309 retained).
Molecular consequence: synonymous variant.
Genome position (GRCh38, 1-based): chr7:94,409,599, G>A. VCF-style: chr7-94409599-G-A. GRCh37 (hg19) VCF-style: chr7-94038911-G-A.
Identifiers: ClinVar variation 1200094 (VCV001200094.27), dbSNP rs746402161, ClinGen allele CA4346871.